The following is an entry in ClinVar:

NM_000037.4(ANK1):c.3012C>T (p.Arg1004=)

Gene: ANK1 (ankyrin 1; minus strand). Cytogenetic location: 8p11.21.
Variant type: single nucleotide variant.
Coding change: c.3012C>T on transcript NM_000037.4 (MANE Select); coding-DNA position 3012, C replaced by T.
Protein change: p.Arg1004=; no amino-acid change (arginine 1004 retained).
Molecular consequence: synonymous variant.
Genome position (GRCh38, 1-based): chr8:41,695,280, G>A on the plus strand (C>T on the coding strand, the complement: ANK1 is on the minus strand). VCF-style: chr8-41695280-G-A. GRCh37 (hg19) VCF-style: chr8-41552798-G-A.
Other names: c.3135C>T, p.Arg1045= (NM_001142446.2); c.3012C>T, p.Arg1004= (NM_020475.3, NM_020476.3, NM_020477.3).
Identifiers: ClinVar variation 3387982 (VCV003387982.14).

ClinVar aggregate classification (germline): Likely benign (1 of 4 stars; one submission).

gnomAD v4.1: 39 of 1,613,912 alleles (0.0024%); highest among the groups gnomAD compares: South Asian, 0.015%; no homozygotes.

Submission:

CeGaT Center for Human Genetics Tuebingen
Classification: Likely benign. Last evaluated: 2024-10-01. Review status: criteria provided, single submitter. Criteria: CeGaT Center For Human Genetics Tuebingen Variant Classification Criteria Version 2. Collection method: clinical testing. Allele origin: germline. Affected: yes. Observed: 1 variant allele.
Comment: ANK1: BP4, BP7